The following is an entry in ClinVar:

ClinVar aggregate classification (germline): Uncertain significance (1 of 4 stars; one submission).

Conditions:
Bloom syndrome (BLM). Also called: Bloom-Torre-Machacek syndrome. Identifiers: Orphanet 125, MedGen C0005859, MONDO:0008876, OMIM 210900.

Submission:

Labcorp Genetics (formerly Invitae), Labcorp
Classification: Uncertain significance for Bloom syndrome. Last evaluated: 2018-09-27. Review status: criteria provided, single submitter. Criteria: Invitae Variant Classification Sherloc (09022015). Collection method: clinical testing. Allele origin: germline.
Comment: In summary, the available evidence is currently insufficient to determine the role of this variant in disease. Therefore, it has been classified as a Variant of Uncertain Significance. Algorithms developed to predict the effect of sequence changes on RNA splicing suggest that this variant may create or strengthen a splice site, but this prediction has not been confirmed by published transcriptional studies. Algorithms developed to predict the effect of missense changes on protein structure and function are either unavailable or do not agree on the potential impact of this missense change (SIFT: "Deleterious"; PolyPhen-2: "Probably Damaging"; Align-GVGD: "Class C0"). This variant has not been reported in the literature in individuals with BLM-related disease. This variant is not present in population databases (ExAC no frequency). This sequence change replaces aspartic acid with glycine at codon 795 of the BLM protein (p.Asp795Gly). The aspartic acid residue is highly conserved and there is a moderate physicochemical difference between aspartic acid and glycine.

NM_000057.4(BLM):c.2384A>G (p.Asp795Gly)

Gene: BLM (BLM RecQ like helicase; plus strand). Cytogenetic location: 15q26.1.
Variant type: single nucleotide variant.
Coding change: c.2384A>G on transcript NM_000057.4 (MANE Select); coding-DNA position 2384, A replaced by G.
Protein change: p.Asp795Gly; replaces aspartic acid 795 with glycine.
Molecular consequence: missense variant.
Genome position (GRCh38, 1-based): chr15:90,769,209, A>G. VCF-style: chr15-90769209-A-G. GRCh37 (hg19) VCF-style: chr15-91312439-A-G.
Other names: c.2384A>G, p.Asp795Gly (NM_001287246.2, NM_001287247.2); c.1259A>G, p.Asp420Gly (NM_001287248.2); short protein forms D420G, D795G.
Identifiers: ClinVar variation 645238 (VCV000645238.9), dbSNP rs1596238327, ClinGen allele CA393845182.